The following is an entry in ClinVar:

ClinVar aggregate classification (germline): Likely benign. Review status: criteria provided, single submitter (1 of 4 stars). 2 submissions from 2 submitters: Likely benign (1). 1 of the submissions does not count toward it. Last evaluated 2025-07-08.

Conditions:
KLB-related disorder. Also called: KLB-related condition.

Allele frequency attached by ClinVar (database versions not stated): 1000 Genomes Project 30x 0.00062; 1000 Genomes Project 0.00080; TOPMed 0.00122; gnomAD 0.00170 and 0.00179; ExAC 0.00209; gnomAD exomes 0.00211 and 0.00253; ESP Exome Variant Server 0.00223.
gnomAD v4.1: 3,912 of 1,614,170 alleles (0.24%); highest among the groups gnomAD compares: Non-Finnish European, 0.29%; 15 homozygotes.

Submissions (2):

Labcorp Genetics (formerly Invitae), Labcorp
Classification: Likely benign. Last evaluated: 2025-07-08. Review status: criteria provided, single submitter. Criteria: Invitae Variant Classification Sherloc (09022015). Collection method: clinical testing. Allele origin: germline.

PreventionGenetics, part of Exact Sciences
Classification: Likely benign for KLB-related condition. Last evaluated: 2019-11-20. Review status: no assertion criteria provided. Collection method: clinical testing. Allele origin: germline. Not counted in ClinVar's aggregate classification.
Comment: This variant is classified as likely benign based on ACMG/AMP sequence variant interpretation guidelines (Richards et al. 2015 PMID: 25741868, with internal and published modifications).

NM_175737.4(KLB):c.2947A>G (p.Thr983Ala)

Gene: KLB (klotho beta; plus strand). Cytogenetic location: 4p14.
Variant type: single nucleotide variant.
Coding change: c.2947A>G on transcript NM_175737.4 (MANE Select); coding-DNA position 2947, A replaced by G.
Protein change: p.Thr983Ala; replaces threonine 983 with alanine.
Molecular consequence: missense variant.
Genome position (GRCh38, 1-based): chr4:39,448,498, A>G. VCF-style: chr4-39448498-A-G. GRCh37 (hg19) VCF-style: chr4-39450118-A-G.
Other names: short protein forms T983A.
Identifiers: ClinVar variation 708321 (VCV000708321.11), dbSNP rs146152443, ClinGen allele CA2894134.